The following is an entry in ClinVar:

ClinVar aggregate classification (germline): Likely benign. Review status: criteria provided, multiple submitters, no conflicts (2 of 4 stars). 2 submissions from 2 submitters: Likely benign (2). Last evaluated 2025-07-23.

Allele frequency attached by ClinVar (database versions not stated): gnomAD exomes below 0.00001 and 0.00001; ExAC 0.00002.
gnomAD v4.1: 4 of 1,613,744 alleles (0.00025%); highest among the groups gnomAD compares: East Asian, 0.0067%; no homozygotes.

Submissions (2):

Labcorp Genetics (formerly Invitae), Labcorp
Classification: Likely benign. Last evaluated: 2025-07-23. Review status: criteria provided, single submitter. Criteria: Invitae Variant Classification Sherloc (09022015). Collection method: clinical testing. Allele origin: germline.

CeGaT Center for Human Genetics Tuebingen
Classification: Likely benign. Last evaluated: 2024-05-01. Review status: criteria provided, single submitter. Criteria: CeGaT Center For Human Genetics Tuebingen Variant Classification Criteria Version 2. Collection method: clinical testing. Allele origin: germline. Affected: yes. Observed: 1 variant allele.
Comment: USH2A: BP4, BP7

NM_206933.4(USH2A):c.9597C>T (p.Asn3199=)

Gene: USH2A (usherin; minus strand). Cytogenetic location: 1q41.
Variant type: single nucleotide variant.
Coding change: c.9597C>T on transcript NM_206933.4 (MANE Select); coding-DNA position 9597, C replaced by T.
Protein change: p.Asn3199=; no amino-acid change (asparagine 3199 retained).
Molecular consequence: synonymous variant.
Genome position (GRCh38, 1-based): chr1:215,813,878, G>A on the plus strand (C>T on the coding strand, the complement: USH2A is on the minus strand). VCF-style: chr1-215813878-G-A. GRCh37 (hg19) VCF-style: chr1-215987220-G-A.
Identifiers: ClinVar variation 1104519 (VCV001104519.28), dbSNP rs779361903, ClinGen allele CA1394257.